The following is an entry in ClinVar:

NM_002617.4(PEX10):c.380T>C (p.Leu127Ser)

Gene: PEX10 (peroxisomal biogenesis factor 10; minus strand). Cytogenetic location: 1p36.32.
Variant type: single nucleotide variant.
Coding change: c.380T>C on transcript NM_002617.4 (MANE Select); coding-DNA position 380, T replaced by C.
Protein change: p.Leu127Ser; replaces leucine 127 with serine.
Molecular consequence: missense variant. On other transcripts: 5 prime UTR variant (2), non-coding transcript variant (1).
Genome position (GRCh38, 1-based): chr1:2,408,672, A>G on the plus strand (T>C on the coding strand, the complement: PEX10 is on the minus strand). VCF-style: chr1-2408672-A-G. GRCh37 (hg19) VCF-style: chr1-2340111-A-G.
Other names: c.380T>C, p.Leu127Ser (NM_001374425.1, NM_153818.2); c.-53T>C (NM_001374426.1, NM_001374427.1); short protein forms L127S.
Identifiers: ClinVar variation 1969243 (VCV001969243.5), dbSNP rs775041092, ClinGen allele CA538188.
Genomic context (GRCh38, chr1:2,408,672, plus strand): 5'-TGACGCATCCAGCGCCGCGCCCCTGAGCAGCCACGCCCACCTGGCCCCAGGCTCCCCTGC[A>G]AGGGTCGCCCACTGTCGGGGTCAGCCTGCAGCTCCTGCTCCAGGGGGAGCAGGGCCTTGT-3'
Protein context (NP_002608.1, residues 117-137): LQADPDSGRP[Leu127Ser]QGSLGPGGRG

ClinVar aggregate classification (germline): Uncertain significance (1 of 4 stars; one submission).

Conditions:
Peroxisome biogenesis disorder, complementation group 7 (CG7). Also called: Peroxisome biogenesis disorder, complementation group B. Identifiers: MedGen C1864399.

Allele frequency attached by ClinVar (database versions not stated): gnomAD exomes below 0.00001; ExAC 0.00001; gnomAD 0.00001; TOPMed 0.00001.
gnomAD v4.1: 3 of 1,612,140 alleles (0.00019%); highest among the groups gnomAD compares: African/African-American, 0.004%; no homozygotes.

Submission:

Labcorp Genetics (formerly Invitae), Labcorp
Classification: Uncertain significance for Peroxisome biogenesis disorder, complementation group 7. Last evaluated: 2024-02-23. Review status: criteria provided, single submitter. Criteria: Invitae Variant Classification Sherloc (09022015). Collection method: clinical testing. Allele origin: germline.
Comment: This sequence change replaces leucine, which is neutral and non-polar, with serine, which is neutral and polar, at codon 127 of the PEX10 protein (p.Leu127Ser). This variant is present in population databases (rs775041092, gnomAD 0.01%). This variant has not been reported in the literature in individuals affected with PEX10-related conditions. ClinVar contains an entry for this variant (Variation ID: 1969243). Algorithms developed to predict the effect of missense changes on protein structure and function output the following: SIFT: "Not Available"; PolyPhen-2: "Benign"; Align-GVGD: "Not Available". The serine amino acid residue is found in multiple mammalian species, which suggests that this missense change does not adversely affect protein function. In summary, the available evidence is currently insufficient to determine the role of this variant in disease. Therefore, it has been classified as a Variant of Uncertain Significance.